The following is an entry in ClinVar:

NM_001042492.3(NF1):c.2073G>C (p.Leu691=)

Gene: NF1 (neurofibromin 1; plus strand). Cytogenetic location: 17q11.2.
Variant type: single nucleotide variant.
Coding change: c.2073G>C on transcript NM_001042492.3 (MANE Select); coding-DNA position 2073, G replaced by C.
Protein change: p.Leu691=; no amino-acid change (leucine 691 retained).
Molecular consequence: synonymous variant.
Genome position (GRCh38, 1-based): chr17:31,226,506, G>C. VCF-style: chr17-31226506-G-C. GRCh37 (hg19) VCF-style: chr17-29553524-G-C.
Other names: c.2073G>C, p.Leu691= (NM_000267.4).
Identifiers: ClinVar variation 187039 (VCV000187039.15), dbSNP rs756988894, ClinGen allele CA196573.
Genomic context (GRCh38, chr17:31,226,506, plus strand): 5'-AGGATGCAGCGGAACCCCCCCGATTTGCCGACAAGCCCAGACCAAACTAGAAGTGGCCCT[G>C]TACATGTTTCTGTGGAACCCTGACACTGAAGCTGTTCTGGTTGCCATGTCCTGTTTCCGC-3'
Protein context (NP_001035957.1, residues 681-701): RQAQTKLEVA[Leu691=]YMFLWNPDTE

ClinVar aggregate classification (germline): Benign/Likely benign. Review status: criteria provided, multiple submitters, no conflicts (2 of 4 stars). 5 submissions from 5 submitters: Benign (1); Likely benign (4). Last evaluated 2026-05-15.

Conditions:
NF1-related disorder. Also called: NF1-related condition. Identifiers: MedGen CN379171.
Hereditary cancer-predisposing syndrome. Also called: Neoplastic Syndromes, Hereditary; Tumor predisposition; Hereditary neoplastic syndrome; Hereditary Cancer Syndrome. Identifiers: Orphanet 140162, MedGen C0027672, MeSH D009386, MONDO:0015356.
Neurofibromatosis, type 1 (NF1). Also called: VON RECKLINGHAUSEN DISEASE; Peripheral type neurofibromatosis; Neurofibromatosis, type I; NEUROFIBROMATOSIS, TYPE I, SOMATIC. Identifiers: Orphanet 636, MedGen C0027831, MONDO:0018975, OMIM 162200. Disease mechanism: loss of function.

Allele frequency attached by ClinVar (database versions not stated): gnomAD exomes below 0.00001.
gnomAD v4.1: 6 of 1,613,904 alleles (0.00037%); highest among the groups gnomAD compares: Non-Finnish European, 0.00051%; no homozygotes.

Submissions (5):

Myriad Genetics, Inc.
Classification: Benign for Neurofibromatosis, type 1. Last evaluated: 2026-05-15. Review status: criteria provided, single submitter. Criteria: Myriad Autosomal Dominant, Autosomal Recessive and X-Linked Classification Criteria (2023). Collection method: clinical testing. Allele origin: unknown.
Comment: This variant is considered benign. This variant is a silent/synonymous amino acid change and it is not expected to impact splicing.

Labcorp Genetics (formerly Invitae), Labcorp
Classification: Likely benign for Neurofibromatosis, type 1. Last evaluated: 2025-11-27. Review status: criteria provided, single submitter. Criteria: Invitae Variant Classification Sherloc (09022015). Collection method: clinical testing. Allele origin: germline.

PreventionGenetics, part of Exact Sciences
Classification: Likely benign for NF1-related condition. Last evaluated: 2025-01-17. Review status: criteria provided, single submitter. Criteria: ACMG Guidelines, 2015. Collection method: clinical testing. Allele origin: germline.
Comment: This variant is classified as likely benign based on ACMG/AMP sequence variant interpretation guidelines (Richards et al. 2015 PMID: 25741868, with internal and published modifications).

Genome-Nilou Lab
Classification: Likely benign for Neurofibromatosis, type 1. Last evaluated: 2022-03-15. Review status: criteria provided, single submitter. Criteria: ACMG Guidelines, 2015. Collection method: clinical testing. Allele origin: germline. Affected: no.

Ambry Genetics
Classification: Likely benign for Hereditary cancer-predisposing syndrome. Last evaluated: 2014-10-30. Review status: criteria provided, single submitter. Criteria: Ambry Autosomal Dominant and X-Linked criteria (10/2015). Collection method: clinical testing. Allele origin: germline. Observed: 1 variant allele.